The following is an entry in ClinVar:

NM_001145358.2(SIN3A):c.3482G>A (p.Ser1161Asn)

Gene: SIN3A (SIN3 transcription regulator family member A; minus strand). Cytogenetic location: 15q24.2.
Variant type: single nucleotide variant.
Coding change: c.3482G>A on transcript NM_001145358.2 (MANE Select); coding-DNA position 3482, G replaced by A.
Protein change: p.Ser1161Asn; replaces serine 1161 with asparagine.
Molecular consequence: missense variant.
Genome position (GRCh38, 1-based): chr15:75,375,774, C>T on the plus strand (G>A on the coding strand, the complement: SIN3A is on the minus strand). VCF-style: chr15-75375774-C-T. GRCh37 (hg19) VCF-style: chr15-75668115-C-T.
Other names: c.3482G>A, p.Ser1161Asn (NM_001145357.2, NM_015477.3); short protein forms S1161N.
Identifiers: ClinVar variation 3646252 (VCV003646252.2).

ClinVar aggregate classification (germline): Uncertain significance (1 of 4 stars; one submission).

gnomAD v4.1: 1 of 1,614,196 alleles (0.000062%); highest among the groups gnomAD compares: Non-Finnish European, 0.000085%; no homozygotes.

Submission:

Labcorp Genetics (formerly Invitae), Labcorp
Classification: Uncertain significance. Last evaluated: 2025-10-02. Review status: criteria provided, single submitter. Criteria: Invitae Variant Classification Sherloc (09022015). Collection method: clinical testing. Allele origin: germline.
Comment: This sequence change replaces serine, which is neutral and polar, with asparagine, which is neutral and polar, at codon 1161 of the SIN3A protein (p.Ser1161Asn). This variant is not present in population databases (gnomAD no frequency). This variant has not been reported in the literature in individuals affected with SIN3A-related conditions. ClinVar contains an entry for this variant (Variation ID: 3646252). Invitae Evidence Modeling of protein sequence and biophysical properties (such as structural, functional, and spatial information, amino acid conservation, physicochemical variation, residue mobility, and thermodynamic stability) indicates that this missense variant is not expected to disrupt SIN3A protein function with a negative predictive value of 80%. In summary, the available evidence is currently insufficient to determine the role of this variant in disease. Therefore, it has been classified as a Variant of Uncertain Significance.